The following is an entry in ClinVar:

ClinVar aggregate classification (germline): Pathogenic (1 of 4 stars; one submission).

Conditions:
Glycogen storage disease, type V (GSD5). Also called: MCARDLE DISEASE; MUSCLE GLYCOGEN PHOSPHORYLASE DEFICIENCY; MYOPHOSPHORYLASE DEFICIENCY; PYGM DEFICIENCY; McArdle type glycogen storage disease. Identifiers: Orphanet 368, MedGen C0017924, MONDO:0009293, OMIM 232600.

Submission:

Myriad Genetics, Inc.
Classification: Pathogenic for Glycogen storage disease, type V. Last evaluated: 2025-02-22. Review status: criteria provided, single submitter. Criteria: Myriad Autosomal Dominant, Autosomal Recessive and X-Linked Classification Criteria (2023). Collection method: clinical testing. Allele origin: unknown.
Comment: NM_005609.2(PYGM):c.2273_2277del5(L758Qfs*11) is expected to be pathogenic in the context of glycogen storage disease, PYGM-related. This variant is predicted to lead to an abnormal or absent protein product due to the creation of a premature termination codon in PYGM, a gene where loss-of-function variants are known to be pathogenic. Please note: this variant was assessed in the context of healthy population screening.

NM_005609.4(PYGM):c.2273_2277del (p.Leu758fs)

Gene: PYGM (glycogen phosphorylase, muscle associated; minus strand). Cytogenetic location: 11q13.1.
Variant type: Deletion.
Coding change: c.2273_2277del on transcript NM_005609.4 (MANE Select); coding-DNA positions 2273 to 2277, 5 bases deleted (TGTTC; older notation c.2273_2277delTGTTC).
Protein change: p.Leu758fs; shifts the reading frame from leucine 758.
Molecular consequence: frameshift variant.
Genome position (GRCh38, 1-based): chr11:64,747,259-64,747,263, GAACA deleted on the plus strand (TGTTC on the coding strand, the reverse complement: PYGM is on the minus strand); deleting any 5 consecutive bases within chr11:64,747,259-64,747,264 gives the same sequence; the c. name uses the placement nearest the transcript's 3' end. VCF-style (leftmost placement, unchanged base first): chr11-64747258-TGAACA-T. GRCh37 (hg19) VCF-style: chr11-64514730-TGAACA-T.
Other names: c.2009_2013del, p.Leu670fs (NM_001164716.1); short protein forms L670fs, L758fs.
Identifiers: ClinVar variation 5014128 (VCV005014128.1).